The following is an entry in ClinVar:

ClinVar aggregate classification (germline): Conflicting classifications of pathogenicity. Review status: criteria provided, conflicting classifications (1 of 4 stars). 3 submissions from 3 submitters: Uncertain significance (2); Likely benign (1). Last evaluated 2025-03-13.

Conditions:
Hereditary cancer-predisposing syndrome. Also called: Hereditary neoplastic syndrome; Neoplastic Syndromes, Hereditary; Tumor predisposition; Hereditary Cancer Syndrome. Identifiers: Orphanet 140162, MedGen C0027672, MeSH D009386, MONDO:0015356.
Hereditary diffuse gastric adenocarcinoma (HDGC). Also called: DIFFUSE GASTRIC AND LOBULAR BREAST CANCER SYNDROME. Identifiers: Orphanet 26106, MedGen C1708349, MONDO:0007648, OMIM 137215.

Submissions (3):

Ambry Genetics
Classification: Uncertain significance for Hereditary cancer-predisposing syndrome. Last evaluated: 2025-03-13. Review status: criteria provided, single submitter. Criteria: Ambry Variant Classification Scheme 2023. Collection method: clinical testing. Allele origin: germline.
Comment: The c.832+4T>A intronic variant results from a T to A substitution 4 nucleotides after coding exon 6 in the CDH1 gene. This nucleotide position is not well conserved in available vertebrate species. In silico splice site analysis predicts that this alteration will not have any significant effect on splicing. Based on the available evidence, the clinical significance of this variant remains unclear.

Labcorp Genetics (formerly Invitae), Labcorp
Classification: Uncertain significance for Hereditary diffuse gastric adenocarcinoma. Last evaluated: 2024-10-02. Review status: criteria provided, single submitter. Criteria: Invitae Variant Classification Sherloc (09022015). Collection method: clinical testing. Allele origin: germline.
Comment: This sequence change falls in intron 6 of the CDH1 gene. It does not directly change the encoded amino acid sequence of the CDH1 protein. It affects a nucleotide within the consensus splice site. This variant is not present in population databases (gnomAD no frequency). This variant has not been reported in the literature in individuals affected with CDH1-related conditions. ClinVar contains an entry for this variant (Variation ID: 485470). Variants that disrupt the consensus splice site are a relatively common cause of aberrant splicing (PMID: 17576681, 9536098). Algorithms developed to predict the effect of sequence changes on RNA splicing suggest that this variant is not likely to affect RNA splicing. In summary, the available evidence is currently insufficient to determine the role of this variant in disease. Therefore, it has been classified as a Variant of Uncertain Significance.

Myriad Genetics, Inc.
Classification: Likely benign for Hereditary diffuse gastric adenocarcinoma. Last evaluated: 2024-09-16. Review status: criteria provided, single submitter. Criteria: Myriad Autosomal Dominant, Autosomal Recessive and X-Linked Classification Criteria (2023). Collection method: clinical testing. Allele origin: unknown.
Comment: This variant is considered likely benign. This variant is intronic and is not expected to impact mRNA splicing.

Literature cited by the submitters: PubMed 17576681 (cited by Labcorp Genetics (formerly Invitae), Labcorp); PubMed 9536098 (cited by Labcorp Genetics (formerly Invitae), Labcorp).

NM_004360.5(CDH1):c.832+4T>A

Gene: CDH1 (cadherin 1; plus strand). Cytogenetic location: 16q22.1.
Variant type: single nucleotide variant.
Coding change: c.832+4T>A on transcript NM_004360.5 (MANE Select); 4 bases into the intron after coding-DNA position 832, T replaced by A.
Molecular consequence: intron variant.
Genome position (GRCh38, 1-based): chr16:68,810,345, T>A. VCF-style: chr16-68810345-T-A. GRCh37 (hg19) VCF-style: chr16-68844248-T-A.
Other names: c.832+4T>A (LRG_301t1, NM_001317184.2); c.-784+4T>A (NM_001317185.2); c.-988+4T>A (NM_001317186.2).
Identifiers: ClinVar variation 485470 (VCV000485470.9), dbSNP rs1555515470, ClinGen allele CA658658481.